The following is an entry in ClinVar:

NM_001035.3(RYR2):c.10468G>T (p.Ala3490Ser)

Gene: RYR2 (ryanodine receptor 2; plus strand). Cytogenetic location: 1q43.
Variant type: single nucleotide variant.
Coding change: c.10468G>T on transcript NM_001035.3 (MANE Select); coding-DNA position 10468, G replaced by T.
Protein change: p.Ala3490Ser; replaces alanine 3490 with serine.
Molecular consequence: missense variant.
Genome position (GRCh38, 1-based): chr1:237,717,342, G>T. VCF-style: chr1-237717342-G-T. GRCh37 (hg19) VCF-style: chr1-237880642-G-T.
Other names: short protein forms A3490S.
Identifiers: ClinVar variation 922103 (VCV000922103.9), dbSNP rs1321141557, ClinGen allele CA345414825.

ClinVar aggregate classification (germline): Uncertain significance. Review status: criteria provided, multiple submitters, no conflicts (2 of 4 stars). 3 submissions from 3 submitters: Uncertain significance (3). Last evaluated 2024-10-30.

Conditions:
Catecholaminergic polymorphic ventricular tachycardia (CVPT). Also called: Catecholamine-induced polymorphic ventricular tachycardia. Identifiers: Orphanet 3286, MedGen C5574922, MONDO:0017990.
Cardiomyopathy (CMYO). Also called: Cardiomyopathies. Identifiers: Orphanet 167848, MedGen C0878544, MONDO:0004994, HP:0001638. Inheritance: Various modes of inheritance.
Catecholaminergic polymorphic ventricular tachycardia 1. Also called: VENTRICULAR TACHYCARDIA, CATECHOLAMINERGIC POLYMORPHIC, 1, WITH OR WITHOUT ATRIAL DYSFUNCTION AND/OR DILATED CARDIOMYOPATHY; RYR2-Related Catecholaminergic Polymorphic Ventricular Tachycardia; VENTRICULAR TACHYCARDIA, STRESS-INDUCED POLYMORPHIC 1. Identifiers: Orphanet 3286, MedGen C1631597, MONDO:0011484, OMIM 604772.

Allele frequency attached by ClinVar (database versions not stated): gnomAD exomes below 0.00001 and 0.00001; TOPMed below 0.00001.
gnomAD v4.1: 12 of 1,607,302 alleles (0.00075%); highest among the groups gnomAD compares: Non-Finnish European, 0.001%; no homozygotes.

Submissions (3):

Labcorp Genetics (formerly Invitae), Labcorp
Classification: Uncertain significance for Catecholaminergic polymorphic ventricular tachycardia 1. Last evaluated: 2024-10-30. Review status: criteria provided, single submitter. Criteria: Invitae Variant Classification Sherloc (09022015). Collection method: clinical testing. Allele origin: germline.
Comment: This sequence change replaces alanine, which is neutral and non-polar, with serine, which is neutral and polar, at codon 3490 of the RYR2 protein (p.Ala3490Ser). The frequency data for this variant in the population databases is considered unreliable, as metrics indicate poor data quality at this position in the gnomAD database. This variant has not been reported in the literature in individuals affected with RYR2-related conditions. ClinVar contains an entry for this variant (Variation ID: 922103). Invitae Evidence Modeling of protein sequence and biophysical properties (such as structural, functional, and spatial information, amino acid conservation, physicochemical variation, residue mobility, and thermodynamic stability) indicates that this missense variant is not expected to disrupt RYR2 protein function with a negative predictive value of 95%. In summary, the available evidence is currently insufficient to determine the role of this variant in disease. Therefore, it has been classified as a Variant of Uncertain Significance.

All of Us Research Program, National Institutes of Health
Classification: Uncertain significance for Catecholaminergic polymorphic ventricular tachycardia. Last evaluated: 2024-05-30. Review status: criteria provided, single submitter. Criteria: ACMG Guidelines, 2015. Collection method: clinical testing. Allele origin: germline. Inheritance: Autosomal dominant inheritance. Observed: 7 variant alleles, 7 heterozygotes.
Comment: This missense variant replaces alanine with serine at codon 3490 of the RYR2 protein. Computational prediction tool suggests that this variant may not impact protein structure and function (internally defined REVEL score threshold <=0.5, PMID: 27666373). Splice site prediction tools suggest that this variant may not impact RNA splicing. To our knowledge, functional studies have not been performed for this variant. This variant has not been reported in individuals affected with cardiovascular disorders in the literature. This variant has been identified in 1/244658 chromosomes in the general population by the Genome Aggregation Database (gnomAD). The available evidence is insufficient to determine the role of this variant in disease conclusively. Therefore, this variant is classified as a Variant of Uncertain Significance.

This study involves interpretation of variants in research participants for the purpose of population health screening. Participant phenotype was not available at the time of variant classification. Additional details can be found in publication PMID: 35346344, PMCID: PMC8962531

Color Diagnostics, LLC DBA Color Health
Classification: Uncertain significance for Cardiomyopathy. Last evaluated: 2024-05-15. Review status: criteria provided, single submitter. Criteria: ACMG Guidelines, 2015. Collection method: clinical testing. Allele origin: germline.
Comment: This missense variant replaces alanine with serine at codon 3490 of the RYR2 protein. Computational prediction suggests that this variant may not impact protein structure and function (internally defined REVEL score threshold <= 0.5, PMID: 27666373). To our knowledge, functional studies have not been reported for this variant. This variant has not been reported in individuals affected with RYR2-related disorders in the literature. This variant has been identified in 1/244658 chromosomes in the general population by the Genome Aggregation Database (gnomAD). The available evidence is insufficient to determine the role of this variant in disease conclusively. Therefore, this variant is classified as a Variant of Uncertain Significance.